The following is an entry in ClinVar:

ClinVar aggregate classification (germline): Uncertain significance (1 of 4 stars; one submission).

gnomAD v4.1: 1 of 1,591,754 alleles (0.000063%); highest among the groups gnomAD compares: Middle Eastern, 0.017%; no homozygotes.

Submission:

Labcorp Genetics (formerly Invitae), Labcorp
Classification: Uncertain significance. Last evaluated: 2025-12-30. Review status: criteria provided, single submitter. Criteria: Invitae Variant Classification Sherloc (09022015). Collection method: clinical testing. Allele origin: germline.
Comment: This sequence change replaces proline, which is neutral and non-polar, with threonine, which is neutral and polar, at codon 454 of the LIPI protein (p.Pro454Thr). This variant is not present in population databases (gnomAD no frequency). This variant has not been reported in the literature in individuals affected with LIPI-related conditions. An algorithm developed to predict the effect of missense changes on protein structure and function (PolyPhen-2) suggests that this variant is likely to be disruptive. In summary, the available evidence is currently insufficient to determine the role of this variant in disease. Therefore, it has been classified as a Variant of Uncertain Significance.

NM_001302998.2(LIPI):c.1297C>A (p.Pro433Thr)

Gene: LIPI (lipase I; minus strand). Cytogenetic location: 21q11.2.
Variant type: single nucleotide variant.
Coding change: c.1297C>A on transcript NM_001302998.2 (MANE Select); coding-DNA position 1297, C replaced by A.
Protein change: p.Pro433Thr; replaces proline 433 with threonine.
Molecular consequence: missense variant.
Genome position (GRCh38, 1-based): chr21:14,109,079, G>T on the plus strand (C>A on the coding strand, the complement: LIPI is on the minus strand). VCF-style: chr21-14109079-G-T. GRCh37 (hg19) VCF-style: chr21-15481400-G-T.
Other names: c.1207C>A, p.Pro403Thr (NM_001302999.2); c.1279C>A, p.Pro427Thr (NM_001303000.2); c.1008C>A, p.Asn336Lys (NM_001303001.2); c.1192C>A, p.Pro398Thr (NM_001379565.1); c.802C>A, p.Pro268Thr (NM_001379566.1); c.1162C>A, p.Pro388Thr (NM_198996.4); short protein forms P433T, N336K, P268T, P388T, P427T, P398T, P403T.
Identifiers: ClinVar variation 4733020 (VCV004733020.1).